The following is an entry in ClinVar:

ClinVar aggregate classification (germline): Uncertain significance (1 of 4 stars; one submission).

Conditions:
MEGF10-related myopathy (CMYO10A). Also called: Congenital myopathy 10A, severe variant. Identifiers: Orphanet 439212, MedGen C3280679, MONDO:0013731, OMIM 614399.

Allele frequency attached by ClinVar (database versions not stated): gnomAD 0.00003 and 0.00004; gnomAD exomes 0.00009 and 0.00004; ESP Exome Variant Server 0.00015; ExAC 0.00005; TOPMed 0.00005.
gnomAD v4.1: 134 of 1,612,786 alleles (0.0083%); highest among the groups gnomAD compares: Middle Eastern, 0.016%; no homozygotes.

Submission:

Labcorp Genetics (formerly Invitae), Labcorp
Classification: Uncertain significance for MEGF10-related myopathy. Last evaluated: 2022-06-27. Review status: criteria provided, single submitter. Criteria: Invitae Variant Classification Sherloc (09022015). Collection method: clinical testing. Allele origin: germline.
Comment: This sequence change replaces alanine, which is neutral and non-polar, with valine, which is neutral and non-polar, at codon 826 of the MEGF10 protein (p.Ala826Val). This variant is present in population databases (rs150095036, gnomAD 0.007%). This variant has not been reported in the literature in individuals affected with MEGF10-related conditions. ClinVar contains an entry for this variant (Variation ID: 539960). Algorithms developed to predict the effect of missense changes on protein structure and function are either unavailable or do not agree on the potential impact of this missense change (SIFT: "Deleterious"; PolyPhen-2: "Possibly Damaging"; Align-GVGD: "Class C0"). Algorithms developed to predict the effect of sequence changes on RNA splicing suggest that this variant may create or strengthen a splice site. In summary, the available evidence is currently insufficient to determine the role of this variant in disease. Therefore, it has been classified as a Variant of Uncertain Significance.

NM_001256545.2(MEGF10):c.2477C>T (p.Ala826Val)

Gene: MEGF10 (multiple EGF like domains 10; plus strand). Cytogenetic location: 5q23.2.
Variant type: single nucleotide variant.
Coding change: c.2477C>T on transcript NM_001256545.2 (MANE Select); coding-DNA position 2477, C replaced by T.
Protein change: p.Ala826Val; replaces alanine 826 with valine.
Molecular consequence: missense variant.
Genome position (GRCh38, 1-based): chr5:127,443,112, C>T. VCF-style: chr5-127443112-C-T. GRCh37 (hg19) VCF-style: chr5-126778804-C-T.
Other names: c.2477C>T, p.Ala826Val (NM_032446.3); short protein forms A826V.
Identifiers: ClinVar variation 539960 (VCV000539960.5), dbSNP rs150095036, ClinGen allele CA3391935.